The following is an entry in ClinVar:

ClinVar aggregate classification (germline): Conflicting classifications of pathogenicity. Review status: criteria provided, conflicting classifications (1 of 4 stars). 5 submissions from 5 submitters: Uncertain significance (4); Benign (1). Last evaluated 2025-07-31.

Conditions:
Hereditary cancer-predisposing syndrome. Also called: Hereditary Cancer Syndrome; Neoplastic Syndromes, Hereditary; Tumor predisposition; Hereditary neoplastic syndrome. Identifiers: Orphanet 140162, MedGen C0027672, MeSH D009386, MONDO:0015356.
Ovarian cancer. Also called: OVARIAN CANCER, SOMATIC. Identifiers: Orphanet 213500, MedGen C1140680, MONDO:0008170, OMIM 167000.
Hereditary diffuse gastric adenocarcinoma (HDGC). Also called: DIFFUSE GASTRIC AND LOBULAR BREAST CANCER SYNDROME. Identifiers: Orphanet 26106, MedGen C1708349, MONDO:0007648, OMIM 137215.

Allele frequency attached by ClinVar (database versions not stated): gnomAD exomes below 0.00001 and 0.00003; gnomAD 0.00001 and 0.00003; TOPMed 0.00001; ExAC 0.00005; 1000 Genomes Project 30x 0.00016; 1000 Genomes Project 0.00020.
gnomAD v4.1: 8 of 1,614,284 alleles (0.0005%); highest among the groups gnomAD compares: East Asian, 0.016%; no homozygotes.

Submissions (5):

Labcorp Genetics (formerly Invitae), Labcorp
Classification: Uncertain significance for Hereditary diffuse gastric adenocarcinoma. Last evaluated: 2025-07-31. Review status: criteria provided, single submitter. Criteria: Invitae Variant Classification Sherloc (09022015). Collection method: clinical testing. Allele origin: germline.
Comment: This sequence change replaces threonine, which is neutral and polar, with alanine, which is neutral and non-polar, at codon 506 of the CDH1 protein (p.Thr506Ala). The frequency data for this variant in the population databases is considered unreliable, as metrics indicate poor data quality at this position in the gnomAD database. This missense change has been observed in individual(s) with breast cancer (PMID: 32091409). ClinVar contains an entry for this variant (Variation ID: 231564). An algorithm developed to predict the effect of missense changes on protein structure and function outputs the following: PolyPhen-2: "Benign". The alanine amino acid residue is found in multiple mammalian species, which suggests that this missense change does not adversely affect protein function. In summary, the available evidence is currently insufficient to determine the role of this variant in disease. Therefore, it has been classified as a Variant of Uncertain Significance.

Ambry Genetics
Classification: Uncertain significance for Hereditary cancer-predisposing syndrome. Last evaluated: 2025-05-07. Review status: criteria provided, single submitter. Criteria: Ambry Variant Classification Scheme 2023. Collection method: clinical testing. Allele origin: germline.

Color Diagnostics, LLC DBA Color Health
Classification: Uncertain significance for Hereditary cancer-predisposing syndrome. Last evaluated: 2024-05-13. Review status: criteria provided, single submitter. Criteria: ACMG Guidelines, 2015. Collection method: clinical testing. Allele origin: germline.
Comment: This missense variant replaces threonine with alanine at codon 506 of the CDH1 protein. To our knowledge, functional studies have not been reported for this variant. This variant has been observed in individuals affected with breast cancer, but was also observed in multiple healthy controls in a large breast cancer study (PMID: 32091409, 33471991). This variant has been identified in 8/282878 chromosomes in the general population by the Genome Aggregation Database (gnomAD). The available evidence is insufficient to determine the role of this variant in disease conclusively. Therefore, this variant is classified as a Variant of Uncertain Significance.

Quest Diagnostics Nichols Institute San Juan Capistrano
Classification: Uncertain significance. Last evaluated: 2023-09-14. Review status: criteria provided, single submitter. Criteria: Quest Diagnostics criteria. Collection method: clinical testing. Allele origin: unknown.
Comment: In the published literature, this variant has been reported in individuals with breast cancer (PMID: 33471991 (2021), see also LOVD, 32091409 (2020)). It is also reported in unaffected individuals (PMID: 33471991 (2021), see also LOVD). The frequency of this variant in the general population, 0.0004 (8/19954 chromosomes in East Asian subpopulation (Genome Aggregation Database)), is higher than would generally be expected for pathogenic variants in this gene. Analysis of this variant using bioinformatics tools for the prediction of the effect of amino acid changes on protein structure and function yielded predictions that this variant is benign. Based on the available information, we are unable to determine the clinical significance of this variant.

Laboratory of Molecular Epidemiology of Birth Defects, West China Second University Hospital, Sichuan University
Classification: Benign for Ovarian cancer. Last evaluated: 2022-01-01. Review status: criteria provided, single submitter. Criteria: ACMG Guidelines, 2015. Collection method: clinical testing. Allele origin: germline. Affected: yes.

Literature cited by the submitters: PubMed 32091409 (cited by 3 submitters); PubMed 33471991 (cited by Color Diagnostics, LLC DBA Color Health and Quest Diagnostics Nichols Institute San Juan Capistrano).

NM_004360.5(CDH1):c.1516A>G (p.Thr506Ala)

Gene: CDH1 (cadherin 1; plus strand). Cytogenetic location: 16q22.1.
Variant type: single nucleotide variant.
Coding change: c.1516A>G on transcript NM_004360.5 (MANE Select); coding-DNA position 1516, A replaced by G.
Protein change: p.Thr506Ala; replaces threonine 506 with alanine.
Molecular consequence: missense variant. On other transcripts: 5 prime UTR variant (2).
Genome position (GRCh38, 1-based): chr16:68,815,710, A>G. VCF-style: chr16-68815710-A-G. GRCh37 (hg19) VCF-style: chr16-68849613-A-G.
Other names: c.1516A>G (LRG_301t1); c.1333A>G, p.Thr445Ala (NM_001317184.2); c.-33A>G (NM_001317185.2); c.-304A>G (NM_001317186.2); short protein forms T506A, T445A.
Identifiers: ClinVar variation 231564 (VCV000231564.28), dbSNP rs114885938, ClinGen allele CA8130087.